The following is an entry in ClinVar:

NM_001267550.2(TTN):c.102446A>C (p.Glu34149Ala)

Genes: TTN (titin; minus strand), TTN-AS1 (TTN antisense RNA 1; plus strand). Cytogenetic location: 2q31.2.
Variant type: single nucleotide variant.
Coding change: c.102446A>C on transcript NM_001267550.2 (MANE Select); coding-DNA position 102446, A replaced by C.
Protein change: p.Glu34149Ala; replaces glutamic acid 34149 with alanine.
Molecular consequence: missense variant.
Genome position (GRCh38, 1-based): chr2:178,534,169, T>G on the plus strand (A>C on the coding strand, the complement: TTN is on the minus strand). VCF-style: chr2-178534169-T-G. GRCh37 (hg19) VCF-style: chr2-179398896-T-G.
Other names: c.97523A>C, p.Glu32508Ala (NM_001256850.1); c.75251A>C, p.Glu25084Ala (NM_003319.4); c.94742A>C, p.Glu31581Ala (NM_133378.4); c.75626A>C, p.Glu25209Ala (NM_133432.3); c.75827A>C, p.Glu25276Ala (NM_133437.4); short protein forms E25209A, E31581A, E34149A, E25084A, E32508A, E25276A.
Identifiers: ClinVar variation 2938379 (VCV002938379.2), dbSNP rs1165341799, ClinGen allele CA349417523.

ClinVar aggregate classification (germline): Uncertain significance (1 of 4 stars; one submission).

Conditions:
Dilated cardiomyopathy 1G (CMD1G). Identifiers: Orphanet 154, MedGen C1858763, MONDO:0011400, OMIM 604145.
Autosomal recessive limb-girdle muscular dystrophy type 2J (LGMDR10). Also called: Limb-girdle muscular dystrophy, type 2J; MUSCULAR DYSTROPHY, LIMB-GIRDLE, AUTOSOMAL RECESSIVE 10. Identifiers: Orphanet 140922, MedGen C1837342, MONDO:0012127, OMIM 608807.

gnomAD v4.1: 1 of 1,613,974 alleles (0.000062%); highest among the groups gnomAD compares: East Asian, 0.0022%; no homozygotes.

Submission:

Labcorp Genetics (formerly Invitae), Labcorp
Classification: Uncertain significance for Dilated cardiomyopathy 1G; Autosomal recessive limb-girdle muscular dystrophy type 2J. Last evaluated: 2023-10-22. Review status: criteria provided, single submitter. Criteria: Invitae Variant Classification Sherloc (09022015). Collection method: clinical testing. Allele origin: germline.
Comment: This sequence change replaces glutamic acid, which is acidic and polar, with alanine, which is neutral and non-polar, at codon 34149 of the TTN protein (p.Glu34149Ala). This variant is not present in population databases (gnomAD no frequency). This variant has not been reported in the literature in individuals affected with TTN-related conditions. Experimental studies and prediction algorithms are not available or were not evaluated, and the functional significance of this variant is currently unknown. This variant is located in the M band of TTN (PMID: 25589632). Variants in this region may be relevant for neuromuscular disorders, but have not been definitively shown to cause cardiomyopathy (PMID: 23975875). In summary, the available evidence is currently insufficient to determine the role of this variant in disease. Therefore, it has been classified as a Variant of Uncertain Significance.

Literature cited by the submitters: PubMed 25589632; PubMed 23975875.